The following is an entry in ClinVar:

NM_003611.3(OFD1):c.4A>G (p.Met2Val)

Genes: OFD1 (OFD1 centriole and centriolar satellite protein; plus strand), LOC126863212 (CDK7 strongly-dependent group 2 enhancer GRCh37_chrX:13752241-13753440; plus strand). Cytogenetic location: Xp22.2.
Variant type: single nucleotide variant.
Coding change: c.4A>G on transcript NM_003611.3 (MANE Select); coding-DNA position 4, A replaced by G.
Protein change: p.Met2Val; replaces methionine 2 with valine.
Molecular consequence: missense variant. On other transcripts: 5 prime UTR variant (1).
Genome position (GRCh38, 1-based): chrX:13,735,075, A>G. VCF-style: chrX-13735075-A-G. GRCh37 (hg19) VCF-style: chrX-13753194-A-G.
Other names: c.4A>G, p.Met2Val (NM_001330209.2); c.-542A>G (NM_001330210.2); short protein forms M2V.
Identifiers: ClinVar variation 2937537 (VCV002937537.3), dbSNP rs2046800711, ClinGen allele CA412330999.

ClinVar aggregate classification (germline): Uncertain significance (1 of 4 stars; one submission).

Conditions:
Joubert syndrome. Also called: CEREBELLOPARENCHYMAL DISORDER IV; JOUBERT-BOLTSHAUSER SYNDROME; Familial aplasia of the vermis. Identifiers: Orphanet 475, MedGen C5979921, MONDO:0018772.
Orofaciodigital syndrome I (OFD1). Also called: OFDS I; Papillon-Leage and Psaume Syndrome; Oral-Facial-Digital Syndrome Type I. Identifiers: Orphanet 2750, MedGen C1510460, MONDO:0010702, OMIM 311200.

Allele frequency attached by ClinVar (database versions not stated): gnomAD exomes below 0.00001; TOPMed 0.00001.
gnomAD v4.1: 2 of 1,198,113 alleles (0.00017%); highest among the groups gnomAD compares: Non-Finnish European, 0.00022%; no homozygotes.

Submission:

Labcorp Genetics (formerly Invitae), Labcorp
Classification: Uncertain significance for Orofaciodigital syndrome I; Joubert syndrome. Last evaluated: 2023-10-11. Review status: criteria provided, single submitter. Criteria: Invitae Variant Classification Sherloc (09022015). Collection method: clinical testing. Allele origin: germline.
Comment: This sequence change replaces methionine, which is neutral and non-polar, with valine, which is neutral and non-polar, at codon 2 of the OFD1 protein (p.Met2Val). This variant is not present in population databases (gnomAD no frequency). This variant has not been reported in the literature in individuals affected with OFD1-related conditions. Algorithms developed to predict the effect of missense changes on protein structure and function output the following: SIFT: "Not Available"; PolyPhen-2: "Benign"; Align-GVGD: "Not Available". The valine amino acid residue is found in multiple mammalian species, which suggests that this missense change does not adversely affect protein function. In summary, the available evidence is currently insufficient to determine the role of this variant in disease. Therefore, it has been classified as a Variant of Uncertain Significance.